The following is an entry in ClinVar:

NM_001164665.2(KIAA1549):c.5485A>C (p.Ile1829Leu)

Gene: KIAA1549 (KIAA1549; minus strand). Cytogenetic location: 7q34.
Variant type: single nucleotide variant.
Coding change: c.5485A>C on transcript NM_001164665.2 (MANE Select); coding-DNA position 5485, A replaced by C.
Protein change: p.Ile1829Leu; replaces isoleucine 1829 with leucine.
Molecular consequence: missense variant.
Genome position (GRCh38, 1-based): chr7:138,840,246, T>G on the plus strand (A>C on the coding strand, the complement: KIAA1549 is on the minus strand). VCF-style: chr7-138840246-T-G. GRCh37 (hg19) VCF-style: chr7-138524991-T-G.
Other names: c.5485A>C, p.Ile1829Leu (NM_020910.3); short protein forms I1829L.
Identifiers: ClinVar variation 1935282 (VCV001935282.5), dbSNP rs545361745, ClinGen allele CA4505538.

ClinVar aggregate classification (germline): Uncertain significance (1 of 4 stars; one submission).

Allele frequency attached by ClinVar (database versions not stated): TOPMed below 0.00001; gnomAD 0.00001; gnomAD exomes 0.00001; ExAC 0.00002; 1000 Genomes Project 30x 0.00016; 1000 Genomes Project 0.00020.
gnomAD v4.1: 13 of 1,594,294 alleles (0.00082%); highest among the groups gnomAD compares: South Asian, 0.015%; no homozygotes.

Submission:

Labcorp Genetics (formerly Invitae), Labcorp
Classification: Uncertain significance. Last evaluated: 2022-08-17. Review status: criteria provided, single submitter. Criteria: Invitae Variant Classification Sherloc (09022015). Collection method: clinical testing. Allele origin: germline.
Comment: This sequence change replaces isoleucine, which is neutral and non-polar, with leucine, which is neutral and non-polar, at codon 1829 of the KIAA1549 protein (p.Ile1829Leu). This variant is present in population databases (rs545361745, gnomAD 0.02%). This variant has not been reported in the literature in individuals affected with KIAA1549-related conditions. Algorithms developed to predict the effect of missense changes on protein structure and function output the following: SIFT: "Tolerated"; PolyPhen-2: "Benign"; Align-GVGD: "Class C0". The leucine amino acid residue is found in multiple mammalian species, which suggests that this missense change does not adversely affect protein function. In summary, the available evidence is currently insufficient to determine the role of this variant in disease. Therefore, it has been classified as a Variant of Uncertain Significance.